The following is an entry in ClinVar:

NM_177559.3(CSNK2A1):c.-5C>A

Gene: CSNK2A1 (casein kinase 2 alpha 1; minus strand). Cytogenetic location: 20p13.
Variant type: single nucleotide variant.
Coding change: c.-5C>A on transcript NM_177559.3 (MANE Select); 5 bases upstream of the start codon, C replaced by A.
Molecular consequence: 5 prime UTR variant. On other transcripts: intron variant (1).
Genome position (GRCh38, 1-based): chr20:508,556, G>T on the plus strand (C>A on the coding strand, the complement: CSNK2A1 is on the minus strand). VCF-style: chr20-508556-G-T. GRCh37 (hg19) VCF-style: chr20-489200-G-T.
Other names: c.-5C>A (NM_001362770.2, NM_001362771.2, NM_001895.4); c.-307-3327C>A (NM_177560.3).
Identifiers: ClinVar variation 3366559 (VCV003366559.1).

ClinVar aggregate classification (germline): Uncertain significance (1 of 4 stars; one submission).

Submission:

Women's Health and Genetics/Laboratory Corporation of America, LabCorp
Classification: Uncertain significance. Last evaluated: 2024-08-27. Review status: criteria provided, single submitter. Criteria: LabCorp Variant Classification Summary - May 2015. Collection method: clinical testing. Allele origin: germline.
Comment: Variant summary: CSNK2A1 c.-5C>A is located in the untranslated mRNA region upstream of the initiation codon. The variant was absent in 248214 control chromosomes. The available data on variant occurrences in the general population are insufficient to allow any conclusion about variant significance. To our knowledge, no occurrence of c.-5C>A in individuals affected with Okur-Chung Neurodevelopmental Syndrome and no experimental evidence demonstrating its impact on protein function have been reported. No submitters have cited clinical-significance assessments for this variant to ClinVar. Based on the evidence outlined above, the variant was classified as uncertain significance.